The following is an entry in ClinVar:

NM_000057.4(BLM):c.3764C>G (p.Ser1255Cys)

Gene: BLM (BLM RecQ like helicase; plus strand). Cytogenetic location: 15q26.1.
Variant type: single nucleotide variant.
Coding change: c.3764C>G on transcript NM_000057.4 (MANE Select); coding-DNA position 3764, C replaced by G.
Protein change: p.Ser1255Cys; replaces serine 1255 with cysteine.
Molecular consequence: missense variant.
Genome position (GRCh38, 1-based): chr15:90,809,149, C>G. VCF-style: chr15-90809149-C-G. GRCh37 (hg19) VCF-style: chr15-91352379-C-G.
Other names: c.3764C>G, p.Ser1255Cys (NM_001287246.2); c.3371C>G, p.Ser1124Cys (NM_001287247.2); c.2639C>G, p.Ser880Cys (NM_001287248.2); short protein forms S1255C, S1124C, S880C.
Identifiers: ClinVar variation 962377 (VCV000962377.10), dbSNP rs1897347737, ClinGen allele CA393849608.

ClinVar aggregate classification (germline): Uncertain significance (1 of 4 stars; one submission).

Conditions:
Bloom syndrome (BLM). Also called: Bloom-Torre-Machacek syndrome. Identifiers: Orphanet 125, MedGen C0005859, MONDO:0008876, OMIM 210900.

Allele frequency attached by ClinVar (database versions not stated): gnomAD exomes below 0.00001.
gnomAD v4.1: 1 of 1,614,130 alleles (0.000062%); highest among the groups gnomAD compares: Non-Finnish European, 0.000085%; no homozygotes.

Submission:

Labcorp Genetics (formerly Invitae), Labcorp
Classification: Uncertain significance for Bloom syndrome. Last evaluated: 2020-07-12. Review status: criteria provided, single submitter. Criteria: Invitae Variant Classification Sherloc (09022015). Collection method: clinical testing. Allele origin: germline.
Comment: This sequence change replaces serine with cysteine at codon 1255 of the BLM protein (p.Ser1255Cys). The serine residue is moderately conserved and there is a moderate physicochemical difference between serine and cysteine. In summary, the available evidence is currently insufficient to determine the role of this variant in disease. Therefore, it has been classified as a Variant of Uncertain Significance. Algorithms developed to predict the effect of missense changes on protein structure and function are either unavailable or do not agree on the potential impact of this missense change (SIFT: "Tolerated"; PolyPhen-2: "Possibly Damaging"; Align-GVGD: "Class C0"). This variant has not been reported in the literature in individuals with BLM-related conditions. This variant is not present in population databases (ExAC no frequency).